The following is an entry in ClinVar:

ClinVar aggregate classification (germline): Uncertain significance (1 of 4 stars; one submission).

Submission:

GeneDx
Classification: Uncertain significance. Last evaluated: 2026-03-28. Review status: criteria provided, single submitter. Criteria: GeneDx Variant Classification Process June 2021. Collection method: clinical testing. Allele origin: germline.
Comment: In silico analysis supports that this missense variant has a deleterious effect on protein structure/function; Has not been previously published as pathogenic or benign to our knowledge; Not observed at significant frequency in large population cohorts (gnomAD)

NM_181332.3(NLGN4X):c.1967C>T (p.Thr656Ile)

Gene: NLGN4X (neuroligin 4 X-linked; minus strand). Cytogenetic location: Xp22.32.
Variant type: single nucleotide variant.
Coding change: c.1967C>T on transcript NM_181332.3 (MANE Select); coding-DNA position 1967, C replaced by T.
Protein change: p.Thr656Ile; replaces threonine 656 with isoleucine.
Molecular consequence: missense variant.
Genome position (GRCh38, 1-based): chrX:5,893,301, G>A on the plus strand (C>T on the coding strand, the complement: NLGN4X is on the minus strand). VCF-style: chrX-5893301-G-A. GRCh37 (hg19) VCF-style: chrX-5811342-G-A.
Other names: c.1967C>T, p.Thr656Ile (NM_001282145.2, NM_001282146.2, NM_001441322.1 and 4 more transcripts); short protein forms T656I.
Identifiers: ClinVar variation 5017674 (VCV005017674.1).